The following is an entry in ClinVar:

NM_000363.5(TNNI3):c.39C>G (p.Arg13=)

Gene: TNNI3 (troponin I3, cardiac type; minus strand). Cytogenetic location: 19q13.42.
Variant type: single nucleotide variant.
Coding change: c.39C>G on transcript NM_000363.5 (MANE Select); coding-DNA position 39, C replaced by G.
Protein change: p.Arg13=; no amino-acid change (arginine 13 retained).
Molecular consequence: synonymous variant.
Genome position (GRCh38, 1-based): chr19:55,157,119, G>C on the plus strand (C>G on the coding strand, the complement: TNNI3 is on the minus strand). VCF-style: chr19-55157119-G-C. GRCh37 (hg19) VCF-style: chr19-55668487-G-C.
Identifiers: ClinVar variation 43380 (VCV000043380.25), dbSNP rs397516346, ClinGen allele CA021602.

ClinVar aggregate classification (germline): Likely benign. Review status: criteria provided, multiple submitters, no conflicts (2 of 4 stars). 9 submissions from 9 submitters: Likely benign (9). Last evaluated 2026-05-06.

Conditions:
TNNI3-related disorder. Also called: TNNI3-related disorders; TNNI3-related condition.
Cardiovascular phenotype. Identifiers: MedGen CN230736.
Cardiomyopathy (CMYO). Also called: Cardiomyopathies. Identifiers: Orphanet 167848, MedGen C0878544, MONDO:0004994, HP:0001638. Inheritance: Various modes of inheritance.
Hypertrophic cardiomyopathy. Also called: HYPERTROPHIC MYOCARDIOPATHY. Identifiers: Orphanet 217569, MedGen C0007194, MeSH D002312, MONDO:0005045, HP:0001639.

Allele frequency attached by ClinVar (database versions not stated): gnomAD exomes 0.00002 and 0.00007; TOPMed 0.00004; gnomAD 0.00005.
gnomAD v4.1: 102 of 1,602,042 alleles (0.0064%); highest among the groups gnomAD compares: Non-Finnish European, 0.0086%; no homozygotes.

Submissions (9):

PreventionGenetics, part of Exact Sciences
Classification: Likely benign for TNNI3-related condition. Last evaluated: 2026-05-06. Review status: criteria provided, single submitter. Criteria: ACMG Guidelines, 2015. Collection method: clinical testing. Allele origin: germline.
Comment: This variant is classified as likely benign based on ACMG/AMP sequence variant interpretation guidelines (Richards et al. 2015 PMID: 25741868, with internal and published modifications).

Labcorp Genetics (formerly Invitae), Labcorp
Classification: Likely benign for Hypertrophic cardiomyopathy. Last evaluated: 2026-01-16. Review status: criteria provided, single submitter. Criteria: Invitae Variant Classification Sherloc (09022015). Collection method: clinical testing. Allele origin: germline.

Molecular Diagnostic Laboratory for Inherited Cardiovascular Disease, Montreal Heart Institute
Classification: Likely benign. Last evaluated: 2025-04-09. Review status: criteria provided, single submitter. Criteria: ACMG Guidelines, 2015. Collection method: clinical testing. Allele origin: germline. Affected: no.

Blueprint Genetics
Classification: Likely benign. Last evaluated: 2024-10-11. Review status: criteria provided, single submitter. Criteria: ACMG Guidelines, 2015. Collection method: clinical testing. Allele origin: germline.

All of Us Research Program, National Institutes of Health
Classification: Likely benign for Hypertrophic cardiomyopathy. Last evaluated: 2023-11-30. Review status: criteria provided, single submitter. Criteria: ACMG Guidelines, 2015. Collection method: clinical testing. Allele origin: germline. Inheritance: Autosomal dominant inheritance. Observed: 11 variant alleles, 11 heterozygotes.
Comment: This study involves interpretation of variants in research participants for the purpose of population health screening. Participant phenotype was not available at the time of variant classification. Additional details can be found in publication PMID: 35346344, PMCID: PMC8962531

GeneDx
Classification: Likely benign. Last evaluated: 2020-04-10. Review status: criteria provided, single submitter. Criteria: GeneDx Variant Classification Process June 2021. Collection method: clinical testing. Allele origin: germline. Affected: yes.

Ambry Genetics
Classification: Likely benign for Cardiovascular phenotype. Last evaluated: 2019-06-20. Review status: criteria provided, single submitter. Criteria: Ambry Variant Classification Scheme 2023. Collection method: clinical testing. Allele origin: germline.

Color Diagnostics, LLC DBA Color Health
Classification: Likely benign for Cardiomyopathy. Last evaluated: 2018-12-31. Review status: criteria provided, single submitter. Criteria: ACMG Guidelines, 2015. Collection method: clinical testing. Allele origin: germline.

Laboratory for Molecular Medicine, Mass General Brigham Personalized Medicine
Classification: Likely benign. Last evaluated: 2016-08-11. Review status: criteria provided, single submitter. Criteria: LMM Criteria. Collection method: clinical testing. Allele origin: germline. Observed: 1 variant allele.
Comment: p.Arg13Arg in exon 3 of TNNI3: This variant is not expected to have clinical sig nificance because it does not alter an amino acid residue and is not located wit hin the splice consensus sequence.